The following is an entry in ClinVar:

NM_001999.4(FBN2):c.3758G>C (p.Cys1253Ser)

Gene: FBN2 (fibrillin 2; minus strand). Cytogenetic location: 5q23.3.
Variant type: single nucleotide variant.
Coding change: c.3758G>C on transcript NM_001999.4 (MANE Select); coding-DNA position 3758, G replaced by C.
Protein change: p.Cys1253Ser; replaces cysteine 1253 with serine.
Molecular consequence: missense variant.
Genome position (GRCh38, 1-based): chr5:128,335,544, C>G on the plus strand (G>C on the coding strand, the complement: FBN2 is on the minus strand). VCF-style: chr5-128335544-C-G. GRCh37 (hg19) VCF-style: chr5-127671236-C-G.
Other names: short protein forms C1253S.
Identifiers: ClinVar variation 4741634 (VCV004741634.1).

ClinVar aggregate classification (germline): Likely pathogenic (1 of 4 stars; one submission).

Conditions:
Congenital contractural arachnodactyly (CCA). Also called: BEALS SYNDROME; Arthrogryposis, distal, type 9; Beals-Hecht syndrome. Identifiers: Orphanet 115, MedGen C0220668, MONDO:0007363, OMIM 121050.

Submission:

Labcorp Genetics (formerly Invitae), Labcorp
Classification: Likely pathogenic for Congenital contractural arachnodactyly. Last evaluated: 2025-12-09. Review status: criteria provided, single submitter. Criteria: Invitae Variant Classification Sherloc (09022015). Collection method: clinical testing. Allele origin: germline.
Comment: This sequence change replaces cysteine, which is neutral and slightly polar, with serine, which is neutral and polar, at codon 1253 of the FBN2 protein (p.Cys1253Ser). This variant is not present in population databases (gnomAD no frequency). This variant has not been reported in the literature in individuals affected with FBN2-related conditions. Invitae Evidence Modeling of protein sequence and biophysical properties (such as structural, functional, and spatial information, amino acid conservation, physicochemical variation, residue mobility, and thermodynamic stability) indicates that this missense variant is expected to disrupt FBN2 protein function with a positive predictive value of 80%. This variant affects a cysteine residue located within an epidermal growth factor (EGF)–like domain of the FBN2 protein. Cysteine residues in these domains are involved in the formation of disulfide bridges critical for protein structure and stability (PMID: 3495735, 4750422, 16677079). In addition, missense substitutions within the FBN2 EGF-like domains affecting cysteine residues are overrepresented in patients with congenital contractural arachnodactyly (PMID: 18767143). In summary, the currently available evidence indicates that the variant is pathogenic, but additional data are needed to prove that conclusively. Therefore, this variant has been classified as Likely Pathogenic.

Literature cited by the submitters: PubMed 3495735; PubMed 4750422; PubMed 16677079; PubMed 18767143.